The following is an entry in ClinVar:

NM_001160372.4(TRAPPC9):c.2920C>G (p.Arg974Gly)

Gene: TRAPPC9 (trafficking protein particle complex subunit 9; minus strand). Cytogenetic location: 8q24.3.
Variant type: single nucleotide variant.
Coding change: c.2920C>G on transcript NM_001160372.4 (MANE Select); coding-DNA position 2920, C replaced by G.
Protein change: p.Arg974Gly; replaces arginine 974 with glycine.
Molecular consequence: missense variant. On other transcripts: non-coding transcript variant (1).
Genome position (GRCh38, 1-based): chr8:139,910,191, G>C on the plus strand (C>G on the coding strand, the complement: TRAPPC9 is on the minus strand). VCF-style: chr8-139910191-G-C. GRCh37 (hg19) VCF-style: chr8-140922435-G-C.
Other names: c.2893C>G, p.Arg965Gly (NM_001321646.2); c.2941C>G, p.Arg981Gly (NM_001374682.1); c.2809C>G, p.Arg937Gly (NM_001374683.1); c.2776C>G, p.Arg926Gly (NM_001374684.1); c.2920C>G, p.Arg974Gly (NM_031466.8); short protein forms R926G, R937G, R965G, R974G, R981G.
Identifiers: ClinVar variation 1878871 (VCV001878871.2), dbSNP rs752040819, ClinGen allele CA372735284.
Genomic context (GRCh38, chr8:139,910,191, plus strand): 5'-CCCTGGAAAAGGATATGATTCTCCAGCAGATGCCCAGCTTGCTGTGGATCTCCAGGCCTC[G>C]GGCTTCCCGCCGCTCTTCCTCCAGCTGCTTGGGGTTTGCAAATTGCCCCTTCTCCCCAGG-3'
Protein context (NP_001153844.1, residues 964-984): KQLEEERREA[Arg974Gly]GLEIHSKLGI

ClinVar aggregate classification (germline): Uncertain significance. Review status: criteria provided, multiple submitters, no conflicts (2 of 4 stars). 2 submissions from 2 submitters: Uncertain significance (2). Last evaluated 2026-03-25.

Allele frequency attached by ClinVar (database versions not stated): gnomAD 0.00001.
gnomAD v4.1: 9 of 1,613,542 alleles (0.00056%); highest among the groups gnomAD compares: Middle Eastern, 0.082%; 1 homozygote.

Submissions (2):

Women's Health and Genetics/Laboratory Corporation of America, LabCorp
Classification: Uncertain significance. Last evaluated: 2026-03-25. Review status: criteria provided, single submitter. Criteria: LabCorp Variant Classification Summary - May 2015. Collection method: clinical testing. Allele origin: germline.
Comment: Variant summary: TRAPPC9 c.2920C>G (p.Arg974Gly) results in a non-conservative amino acid change in the encoded protein sequence. Algorithms developed to predict the effect of missense changes on protein structure and function are either unavailable or do not agree on the potential impact of this missense change. The variant was absent in 251002 control chromosomes. The available data on variant occurrences in the general population are insufficient to allow any conclusion about variant significance. To our knowledge, no occurrence of c.2920C>G in individuals affected with TRAPPC9-related conditions and no experimental evidence demonstrating its impact on protein function have been reported. ClinVar contains an entry for this variant (Variation ID: 1878871). Based on the evidence outlined above, the variant was classified as uncertain significance.

GeneDx
Classification: Uncertain significance. Last evaluated: 2022-07-11. Review status: criteria provided, single submitter. Criteria: GeneDx Variant Classification Process June 2021. Collection method: clinical testing. Allele origin: germline. Affected: yes.
Comment: Not observed at significant frequency in large population cohorts (gnomAD); In silico analysis supports that this missense variant does not alter protein structure/function; Has not been previously published as pathogenic or benign to our knowledge